The following is an entry in ClinVar:

ClinVar aggregate classification (germline): Likely benign. Review status: criteria provided, single submitter (1 of 4 stars). 2 submissions from 2 submitters: Likely benign (1). 1 of the submissions does not count toward it. Last evaluated 2024-09-20.

Conditions:
KDM6B-related disorder. Also called: KDM6B-related condition.

Submissions (2):

Blueprint Genetics
Classification: Likely benign. Last evaluated: 2024-09-20. Review status: criteria provided, single submitter. Criteria: ACMG Guidelines, 2015. Collection method: clinical testing. Allele origin: germline.

PreventionGenetics, part of Exact Sciences
Classification: Uncertain significance for KDM6B-related condition. Last evaluated: 2024-07-24. Review status: no assertion criteria provided. Collection method: clinical testing. Allele origin: germline. Not counted in ClinVar's aggregate classification.
Comment: The KDM6B c.777_791dup15 variant is predicted to result in an in-frame duplication (p.Pro260_Pro264dup). To our knowledge, this variant has not been reported in the literature or in a large population database, indicating this variant is rare. At this time, the clinical significance of this variant is uncertain due to the absence of conclusive functional and genetic evidence.

NM_001348716.2(KDM6B):c.753ACC[18] (p.Pro264_Leu265insProProProProPro)

Gene: KDM6B (lysine demethylase 6B; plus strand). Cytogenetic location: 17p13.1.
Variant type: Microsatellite.
Coding change: c.753ACC[18] on transcript NM_001348716.2 (MANE Select); 18 copies in a row of the 3-base unit ACC starting at c.753; the reference has 13 copies in a row; five copies, 15 bases duplicated.
Protein change: p.Pro264_Leu265insProProProProPro.
Molecular consequence: inframe insertion.
Genome position (GRCh38, 1-based): chr17:7,846,884-7,846,898, ACCACCACCACCACC duplicated; duplicating any 15 consecutive bases within chr17:7,846,860-7,846,898 gives the same sequence; the position shown is the placement nearest the transcript's 3' end. VCF-style (leftmost placement, unchanged base first): chr17-7846859-T-TACCACCACCACCACC. GRCh37 (hg19) VCF-style: chr17-7750177-T-TACCACCACCACCACC.
Other names: c.753ACC[18], p.Pro264_Leu265insProProProProPro (NM_001080424.2).
Identifiers: ClinVar variation 3357997 (VCV003357997.2).